The following is an entry in ClinVar:

NM_006260.5(DNAJC3):c.1169C>T (p.Ser390Leu)

Gene: DNAJC3 (DnaJ heat shock protein family (Hsp40) member C3; plus strand). Cytogenetic location: 13q32.1.
Variant type: single nucleotide variant.
Coding change: c.1169C>T on transcript NM_006260.5 (MANE Select); coding-DNA position 1169, C replaced by T.
Protein change: p.Ser390Leu; replaces serine 390 with leucine.
Molecular consequence: missense variant.
Genome position (GRCh38, 1-based): chr13:95,786,032, C>T. VCF-style: chr13-95786032-C-T. GRCh37 (hg19) VCF-style: chr13-96438286-C-T.
Other names: short protein forms S390L.
Identifiers: ClinVar variation 4986413 (VCV004986413.1).

ClinVar aggregate classification (germline): Uncertain significance (1 of 4 stars; one submission).

Conditions:
DNAJC3-related disorder. Also called: DNAJC3-related condition.

gnomAD v4.1: 17 of 1,608,040 alleles (0.0011%); highest among the groups gnomAD compares: African/African-American, 0.0067%; no homozygotes.

Submission:

PreventionGenetics, part of Exact Sciences
Classification: Uncertain significance for DNAJC3-related condition. Last evaluated: 2026-04-12. Review status: criteria provided, single submitter. Criteria: ACMG Guidelines, 2015. Collection method: clinical testing. Allele origin: germline.
Comment: The DNAJC3 c.1169C>T variant is predicted to result in the amino acid substitution p.Ser390Leu. To our knowledge, this variant has not been reported in the literature. This variant is reported in 0.012% of alleles in individuals of African descent in gnomAD. At this time, the clinical significance of this variant is uncertain due to the absence of conclusive functional and genetic evidence.